The following is an entry in ClinVar:

NM_004301.5(ACTL6A):c.82G>A (p.Ala28Thr)

Gene: ACTL6A (actin like 6A; plus strand). Cytogenetic location: 3q26.33.
Variant type: single nucleotide variant.
Coding change: c.82G>A on transcript NM_004301.5 (MANE Select); coding-DNA position 82, G replaced by A.
Protein change: p.Ala28Thr; replaces alanine 28 with threonine.
Molecular consequence: missense variant. On other transcripts: 5 prime UTR variant (2).
Genome position (GRCh38, 1-based): chr3:179,569,880, G>A. VCF-style: chr3-179569880-G-A. GRCh37 (hg19) VCF-style: chr3-179287668-G-A.
Other names: c.-45G>A (NM_177989.4, NM_178042.4); short protein forms A28T.
Identifiers: ClinVar variation 3393618 (VCV003393618.1).

ClinVar aggregate classification (germline): Uncertain significance (1 of 4 stars; one submission).

Submission:

GeneDx
Classification: Uncertain significance. Last evaluated: 2024-07-02. Review status: criteria provided, single submitter. Criteria: GeneDx Variant Classification Process June 2021. Collection method: clinical testing. Allele origin: germline. Affected: yes.
Comment: Not observed at significant frequency in large population cohorts (gnomAD); In silico analysis supports that this missense variant has a deleterious effect on protein structure/function; Has not been previously published as pathogenic or benign to our knowledge